The following is an entry in ClinVar:

NM_020987.5(ANK3):c.12111G>A (p.Ser4037=)

Gene: ANK3 (ankyrin 3; minus strand). Cytogenetic location: 10q21.2.
Variant type: single nucleotide variant.
Coding change: c.12111G>A on transcript NM_020987.5 (MANE Select); coding-DNA position 12111, G replaced by A.
Protein change: p.Ser4037=; no amino-acid change (serine 4037 retained).
Molecular consequence: synonymous variant. On other transcripts: intron variant (4).
Genome position (GRCh38, 1-based): chr10:60,068,770, C>T on the plus strand (G>A on the coding strand, the complement: ANK3 is on the minus strand). VCF-style: chr10-60068770-C-T. GRCh37 (hg19) VCF-style: chr10-61828528-C-T.
Other names: c.12111G>A (NM_020987.3); c.4388-761G>A (NM_001204403.2); c.4409-761G>A (NM_001204404.2); c.4406-761G>A (NM_001320874.2); c.1808-761G>A (NM_001149.4).
Identifiers: ClinVar variation 3067460 (VCV003067460.22), dbSNP rs557280144, ClinGen allele CA5510972.

ClinVar aggregate classification (germline): Likely benign. Review status: criteria provided, multiple submitters, no conflicts (2 of 4 stars). 3 submissions from 3 submitters: Likely benign (3). Last evaluated 2025-12-04.

Conditions:
Inborn genetic diseases. Identifiers: MedGen C0950123, MeSH D030342.

Allele frequency attached by ClinVar (database versions not stated): TOPMed 0.00003; gnomAD 0.00005; gnomAD exomes 0.00006; ExAC 0.00007.
gnomAD v4.1: 96 of 1,614,190 alleles (0.0059%); highest among the groups gnomAD compares: South Asian, 0.044%; no homozygotes.

Submissions (3):

Ambry Genetics
Classification: Likely benign for Inborn genetic diseases. Last evaluated: 2025-12-04. Review status: criteria provided, single submitter. Criteria: Ambry Variant Classification Scheme 2023. Collection method: clinical testing. Allele origin: germline.

Blueprint Genetics
Classification: Likely benign. Last evaluated: 2024-03-15. Review status: criteria provided, single submitter. Criteria: ACMG Guidelines, 2015. Collection method: clinical testing. Allele origin: germline.

CeGaT Center for Human Genetics Tuebingen
Classification: Likely benign. Last evaluated: 2024-03-01. Review status: criteria provided, single submitter. Criteria: CeGaT Center For Human Genetics Tuebingen Variant Classification Criteria Version 2. Collection method: clinical testing. Allele origin: germline. Affected: yes. Observed: 1 variant allele.
Comment: ANK3: BP4, BP7